The following is an entry in ClinVar:

ClinVar aggregate classification (germline): Conflicting classifications of pathogenicity. Review status: criteria provided, conflicting classifications (1 of 4 stars). 6 submissions from 5 submitters: Uncertain significance (4); Likely benign (2). Last evaluated 2025-12-17.

Conditions:
Pseudoachondroplastic spondyloepiphyseal dysplasia syndrome (PSACH). Also called: Pseudoachondroplasia; COMP-Related Pseudoachondroplasia; PSEUDOACHONDROPLASTIC DYSPLASIA. Identifiers: Orphanet 750, MedGen C0410538, MONDO:0008322, OMIM 177170.
Multiple epiphyseal dysplasia type 1. Also called: COMP-Related Multiple Epiphyseal Dysplasia. Identifiers: Orphanet 93308, MedGen C1838280, MONDO:0007561, OMIM 132400.
Connective tissue disorder. Also called: Connective tissue disease. Identifiers: MedGen C0009782, MONDO:0003900.
Inborn genetic diseases. Identifiers: MedGen C0950123, MeSH D030342.

Allele frequency attached by ClinVar (database versions not stated): gnomAD 0.00005 and 0.00007; gnomAD exomes 0.00005; ExAC 0.00006; TOPMed 0.00007; ESP Exome Variant Server 0.00008.

Submissions (6):

Labcorp Genetics (formerly Invitae), Labcorp
Classification: Uncertain significance. Last evaluated: 2025-12-17. Review status: criteria provided, single submitter. Criteria: Invitae Variant Classification Sherloc (09022015). Collection method: clinical testing. Allele origin: germline.
Comment: This sequence change replaces aspartic acid, which is acidic and polar, with alanine, which is neutral and non-polar, at codon 4 of the COMP protein (p.Asp4Ala). The frequency data for this variant in the population databases is considered unreliable, as metrics indicate poor data quality at this position in the gnomAD database. This variant has not been reported in the literature in individuals affected with COMP-related conditions. ClinVar contains an entry for this variant (Variation ID: 888609). An algorithm developed to predict the effect of missense changes on protein structure and function outputs the following: PolyPhen-2: "Benign". The alanine amino acid residue is found in multiple mammalian species, which suggests that this missense change does not adversely affect protein function. In summary, the available evidence is currently insufficient to determine the role of this variant in disease. Therefore, it has been classified as a Variant of Uncertain Significance.

Blueprint Genetics
Classification: Likely benign. Last evaluated: 2024-11-08. Review status: criteria provided, single submitter. Criteria: ACMG Guidelines, 2015. Collection method: clinical testing. Allele origin: germline.

Ambry Genetics
Classification: Likely benign for Inborn genetic diseases. Last evaluated: 2021-07-13. Review status: criteria provided, single submitter. Criteria: Ambry Variant Classification Scheme 2023. Collection method: clinical testing. Allele origin: germline.

Genome Diagnostics Laboratory, The Hospital for Sick Children
Classification: Uncertain significance for Connective tissue disorder. Last evaluated: 2019-02-01. Review status: criteria provided, single submitter. Criteria: ACMG Guidelines, 2015. Collection method: clinical testing. Allele origin: germline.

Illumina Laboratory Services, Illumina
Classification: Uncertain significance for Multiple epiphyseal dysplasia type 1. Last evaluated: 2017-04-27. Review status: criteria provided, single submitter. Criteria: ICSL Variant Classification Criteria 13 December 2019. Collection method: clinical testing. Allele origin: germline.

Illumina Laboratory Services, Illumina
Classification: Uncertain significance for Pseudoachondroplastic spondyloepiphyseal dysplasia syndrome. Last evaluated: 2017-04-27. Review status: criteria provided, single submitter. Criteria: ICSL Variant Classification Criteria 13 December 2019. Collection method: clinical testing. Allele origin: germline.

NM_000095.3(COMP):c.11A>C (p.Asp4Ala)

Gene: COMP (cartilage oligomeric matrix protein; minus strand). Cytogenetic location: 19p13.11.
Variant type: single nucleotide variant.
Coding change: c.11A>C on transcript NM_000095.3 (MANE Select); coding-DNA position 11, A replaced by C.
Protein change: p.Asp4Ala; replaces aspartic acid 4 with alanine.
Molecular consequence: missense variant.
Genome position (GRCh38, 1-based): chr19:18,791,259, T>G on the plus strand (A>C on the coding strand, the complement: COMP is on the minus strand). VCF-style: chr19-18791259-T-G. GRCh37 (hg19) VCF-style: chr19-18902068-T-G.
Other names: short protein forms D4A.
Identifiers: ClinVar variation 888609 (VCV000888609.14), dbSNP rs370458957, ClinGen allele CA9316861.
Genomic context (GRCh38, chr19:18,791,259, plus strand): 5'-CTCTGGCCCTGTCCGGACGCGCCGAGGGCAGCCAGGGTGAGCAGAAGAACGCAGGCGGTG[T>G]CGGGGACCATGGCGGTGGCGGGGAGCTGGGTGGCTGCTCGCTTTCTACCGCCCACGAGGC-3'
Protein context (NP_000086.2, residues 1-14): MVP[Asp4Ala]TACVLLLTLA